The following is an entry in ClinVar:

NM_004656.4(BAP1):c.187T>C (p.Ser63Pro)

Gene: BAP1 (BRCA1 associated deubiquitinase 1; minus strand). Cytogenetic location: 3p21.1.
Variant type: single nucleotide variant.
Coding change: c.187T>C on transcript NM_004656.4 (MANE Select); coding-DNA position 187, T replaced by C.
Protein change: p.Ser63Pro; replaces serine 63 with proline.
Molecular consequence: missense variant.
Genome position (GRCh38, 1-based): chr3:52,408,542, A>G on the plus strand (T>C on the coding strand, the complement: BAP1 is on the minus strand). VCF-style: chr3-52408542-A-G. GRCh37 (hg19) VCF-style: chr3-52442558-A-G.
Other names: c.187T>C, p.Ser63Pro (NM_001410772.1); short protein forms S63P.
Identifiers: ClinVar variation 4824102 (VCV004824102.1).

ClinVar aggregate classification (germline): Uncertain significance (1 of 4 stars; one submission).

Conditions:
Hereditary cancer-predisposing syndrome. Also called: Neoplastic Syndromes, Hereditary; Hereditary neoplastic syndrome; Tumor predisposition; Hereditary Cancer Syndrome. Identifiers: Orphanet 140162, MedGen C0027672, MeSH D009386, MONDO:0015356.

Submission:

Ambry Genetics
Classification: Uncertain significance for Hereditary cancer-predisposing syndrome. Last evaluated: 2026-02-22. Review status: criteria provided, single submitter. Criteria: Ambry Variant Classification Scheme 2023. Collection method: clinical testing. Allele origin: germline.
Comment: The p.S63P variant (also known as c.187T>C), located in coding exon 4 of the BAP1 gene, results from a T to C substitution at nucleotide position 187. The serine at codon 63 is replaced by proline, an amino acid with similar properties. This amino acid position is conserved. In addition, the in silico prediction for this alteration is inconclusive. Based on the available evidence, the clinical significance of this variant remains unclear.